The following is an entry in ClinVar:

NM_007294.4(BRCA1):c.4185+8G>A

Gene: BRCA1 (BRCA1 DNA repair associated; minus strand). Cytogenetic location: 17q21.31.
Variant type: single nucleotide variant.
Coding change: c.4185+8G>A on transcript NM_007294.4 (MANE Select); 8 bases into the intron after coding-DNA position 4185, G replaced by A.
Molecular consequence: intron variant.
Genome position (GRCh38, 1-based): chr17:43,090,936, C>T on the plus strand (G>A on the coding strand, the complement: BRCA1 is on the minus strand). VCF-style: chr17-43090936-C-T. GRCh37 (hg19) VCF-style: chr17-41242953-C-T.
Other names: c.4182+8G>A (NM_001407612.1, NM_001407630.1, NM_001407633.1 and 22 more transcripts); c.753+8G>A (NM_001408440.1, NM_001408428.1, NM_001408441.1 and 12 more transcripts); c.4062+8G>A (NM_001407678.1, NM_001407666.1, NM_001407683.1 and 19 more transcripts); c.759+8G>A (NM_001408418.1, NM_001408423.1, NM_001408420.1 and 2 more transcripts); c.876+8G>A (NM_001407981.1, NM_007298.4, NM_001407978.1 and 17 more transcripts); c.4185+8G>A (NM_001407639.1, NM_001407859.1, NM_001407620.1 and 30 more transcripts); c.3972+8G>A (NM_001407917.1, NM_001407897.1, NM_001407898.1 and 9 more transcripts); c.732+8G>A (NM_001408462.1, NM_001408470.1, NM_001408464.1 and 3 more transcripts); and 41 more.
Identifiers: ClinVar variation 384115 (VCV000384115.2), dbSNP rs879255487, ClinGen allele CA16608440.

ClinVar aggregate classification (germline): Likely benign (1 of 4 stars; one submission).

Submission:

GeneDx
Classification: Likely benign. Last evaluated: 2016-02-22. Review status: criteria provided, single submitter. Criteria: GeneDx Variant Classification (06012015). Collection method: clinical testing. Allele origin: germline. Affected: yes.
Comment: This variant is considered likely benign or benign based on one or more of the following criteria: it is a conservative change, it occurs at a poorly conserved position in the protein, it is predicted to be benign by multiple in silico algorithms, and/or has population frequency not consistent with disease.